The following is an entry in ClinVar:

NM_000038.6(APC):c.2945C>T (p.Ser982Leu)

Gene: APC (APC regulator of Wnt signaling pathway; plus strand). Cytogenetic location: 5q22.2.
Variant type: single nucleotide variant.
Coding change: c.2945C>T on transcript NM_000038.6 (MANE Select); coding-DNA position 2945, C replaced by T.
Protein change: p.Ser982Leu; replaces serine 982 with leucine.
Molecular consequence: missense variant.
Genome position (GRCh38, 1-based): chr5:112,838,539, C>T. VCF-style: chr5-112838539-C-T. GRCh37 (hg19) VCF-style: chr5-112174236-C-T.
Other names: c.2945C>T, p.Ser982Leu (NM_001127510.3, NM_001354895.2); c.2891C>T, p.Ser964Leu (NM_001127511.3); c.2999C>T, p.Ser1000Leu (NM_001354896.2); c.2975C>T, p.Ser992Leu (NM_001354897.2); c.2870C>T, p.Ser957Leu (NM_001354898.2); c.2861C>T, p.Ser954Leu (NM_001354899.2); c.2822C>T, p.Ser941Leu (NM_001354900.2); c.2768C>T, p.Ser923Leu (NM_001354901.2); and 5 more; short protein forms S964L, S982L, S1000L, S856L, S881L, S891L, S957L, S992L.
Identifiers: ClinVar variation 482283 (VCV000482283.23), dbSNP rs139773221, ClinGen allele CA034039.

ClinVar aggregate classification (germline): Conflicting classifications of pathogenicity. Review status: criteria provided, conflicting classifications (1 of 4 stars). 7 submissions from 7 submitters: Uncertain significance (6); Likely benign (1). Last evaluated 2025-12-24.

Conditions:
Classic or attenuated familial adenomatous polyposis. Identifiers: MedGen CN372698, MONDO:0021057.
Hereditary cancer-predisposing syndrome. Also called: Neoplastic Syndromes, Hereditary; Tumor predisposition; Hereditary Cancer Syndrome; Hereditary neoplastic syndrome. Identifiers: Orphanet 140162, MedGen C0027672, MeSH D009386, MONDO:0015356.
Familial adenomatous polyposis 1 (FAP1). Also called: FAMILIAL ADENOMATOUS POLYPOSIS 1, ATTENUATED; POLYPOSIS, ADENOMATOUS INTESTINAL. Identifiers: MedGen C2713442, MONDO:0021056, OMIM 175100. Disease mechanism: loss of function.

Allele frequency attached by ClinVar (database versions not stated): TOPMed below 0.00001; gnomAD 0.00001 and 0.00002; gnomAD exomes 0.00001 and 0.00002; ExAC 0.00002; ESP Exome Variant Server 0.00008.
gnomAD v4.1: 27 of 1,614,010 alleles (0.0017%); highest among the groups gnomAD compares: South Asian, 0.0022%; no homozygotes.

Submissions (7):

Labcorp Genetics (formerly Invitae), Labcorp
Classification: Uncertain significance for Familial adenomatous polyposis 1. Last evaluated: 2025-12-24. Review status: criteria provided, single submitter. Criteria: Invitae Variant Classification Sherloc (09022015). Collection method: clinical testing. Allele origin: germline.
Comment: This sequence change replaces serine, which is neutral and polar, with leucine, which is neutral and non-polar, at codon 982 of the APC protein (p.Ser982Leu). This variant is present in population databases (rs139773221, gnomAD 0.002%). This variant has not been reported in the literature in individuals affected with APC-related conditions. ClinVar contains an entry for this variant (Variation ID: 482283). Invitae Evidence Modeling of protein sequence and biophysical properties (such as structural, functional, and spatial information, amino acid conservation, physicochemical variation, residue mobility, and thermodynamic stability) indicates that this missense variant is not expected to disrupt APC protein function with a negative predictive value of 95%. In summary, the available evidence is currently insufficient to determine the role of this variant in disease. Therefore, it has been classified as a Variant of Uncertain Significance.

Ambry Genetics
Classification: Uncertain significance for Hereditary cancer-predisposing syndrome. Last evaluated: 2025-07-05. Review status: criteria provided, single submitter. Criteria: Ambry Variant Classification Scheme 2023. Collection method: clinical testing. Allele origin: germline.
Comment: The p.S982L variant (also known as c.2945C>T), located in coding exon 15 of the APC gene, results from a C to T substitution at nucleotide position 2945. The serine at codon 982 is replaced by leucine, an amino acid with dissimilar properties. Missense alterations in APC are not a common cause of disease (Spier I et al. Genet Med. 2024 Feb;26(2):100992). In one study, this variant was detected in 0/165 colorectal cancer and/or polyposis patients and was identified in 1/2512 control individuals from a healthy population database (Rosenthal EA et al. Hum Genet, 2018 Oct;137:795-806). This amino acid position is highly conserved in available vertebrate species. In addition, in silico predictors for this gene do not accurately predict pathogenicity. Since supporting evidence is limited at this time, the clinical significance of this alteration remains unclear.

Color Diagnostics, LLC DBA Color Health
Classification: Likely benign for Hereditary cancer-predisposing syndrome. Last evaluated: 2025-01-28. Review status: criteria provided, single submitter. Criteria: ACMG Guidelines, 2015. Collection method: clinical testing. Allele origin: germline.

GeneDx
Classification: Uncertain significance. Last evaluated: 2023-10-01. Review status: criteria provided, single submitter. Criteria: GeneDx Variant Classification Process June 2021. Collection method: clinical testing. Allele origin: germline. Affected: yes.
Comment: Not observed at significant frequency in large population cohorts (gnomAD); In silico analysis supports that this missense variant does not alter protein structure/function; Observed in a control individual and not in any colorectal cancer and/or polyposis patients (Rosenthal et al., 2018); This variant is associated with the following publications: (PMID: 28481359, 24367274, 29296220, 30267214)

All of Us Research Program, National Institutes of Health
Classification: Uncertain significance for Classic or attenuated familial adenomatous polyposis. Last evaluated: 2023-08-08. Review status: criteria provided, single submitter. Criteria: ACMG Guidelines, 2015. Collection method: clinical testing. Allele origin: germline. Inheritance: Autosomal dominant inheritance. Observed: 2 variant alleles, 2 heterozygotes.
Comment: This missense variant replaces serine with leucine at codon 982 of the APC protein. Computational prediction is inconclusive regarding the impact of this variant on protein structure and function (internally defined REVEL score threshold 0.5 < inconclusive < 0.7, PMID: 27666373). Splice site prediction tools suggest that this variant may not impact RNA splicing. To our knowledge, functional studies have not been performed for this variant. This variant has not been reported in individuals affected with hereditary cancer in the literature. This variant has been identified in 3/282678 chromosomes in the general population by the Genome Aggregation Database (gnomAD). The available evidence is insufficient to determine the role of this variant in disease conclusively. Therefore, this variant is classified as a Variant of Uncertain Significance.

This study involves interpretation of variants in research participants for the purpose of population health screening. Participant phenotype was not available at the time of variant classification. Additional details can be found in publication PMID: 35346344, PMCID: PMC8962531

Sema4
Classification: Uncertain significance for Hereditary cancer-predisposing syndrome. Last evaluated: 2021-10-01. Review status: criteria provided, single submitter. Criteria: Sema4 Curation Guidelines. Collection method: curation. Allele origin: germline.
Comment: To the best of our knowledge, the APC c.2945C>T (p.S982L) variant has not been reported in individuals with APC-related disease. It was observed in 3/129004 chromosomes of the Non-Finnish European subpopulation in the large and broad cohorts of the Genome Aggregation Database (PMID: 32461654). This variant has been reported in ClinVar (Variation ID: 482283). Functional studies have not been performed, and in silico predictions of the variant's effect on protein function are inconclusive. The evidence is insufficient to meet ACMG/AMP criteria for classifying the variant as benign or pathogenic. Thus, the clinical significance of this variant is currently uncertain.

Quest Diagnostics Nichols Institute San Juan Capistrano
Classification: Uncertain significance. Last evaluated: 2020-03-03. Review status: criteria provided, single submitter. Criteria: Quest Diagnostics criteria. Collection method: clinical testing. Allele origin: unknown.

Literature cited by the submitters: PubMed 30267214 (cited by Ambry Genetics).